The following is an entry in ClinVar:

ClinVar aggregate classification (germline): Uncertain significance (1 of 4 stars; one submission).

Conditions:
Dihydropteridine reductase deficiency (HPABH4C). Also called: BH4-Deficient Hyperphenylalaninemia C; QDPR DEFICIENCY; QUINOID DIHYDROPTERIDINE REDUCTASE DEFICIENCY; HYPERPHENYLALANINEMIA, TETRAHYDROBIOPTERIN-DEFICIENT, DUE TO DHPR DEFICIENCY; DHPR DEFICIENCY; Phenylketonuria II. Identifiers: Orphanet 226, Orphanet 238583, MedGen C0268465, MONDO:0009862, OMIM 261630.

Submission:

OLLIN Analises Genomicas, OLLIN
Classification: Uncertain significance for Dihydropteridine reductase deficiency. Last evaluated: 2026-08-06. Review status: criteria provided, single submitter. Criteria: ACMG Guidelines 2015 PMID 25741868. Collection method: clinical testing. Allele origin: germline. Inheritance: Autosomal recessive inheritance.
Comment: This missense variant, located in exon 2 (of 7), is absent from gnomAD and ClinVar and has not been identified in the literature. In silico analysis predicts that this variant has a deleterious effect. According to the currently available evidence, this variant has been classified as uncertain significance (PM2_P, PP3).

NM_000320.3(QDPR):c.133A>G (p.Asn45Asp)

Gene: QDPR (quinoid dihydropteridine reductase; minus strand). Cytogenetic location: 4p15.32.
Variant type: single nucleotide variant.
Coding change: c.133A>G on transcript NM_000320.3 (MANE Select); coding-DNA position 133, A replaced by G.
Protein change: p.Asn45Asp; replaces asparagine 45 with aspartic acid.
Molecular consequence: missense variant. On other transcripts: non-coding transcript variant (1), intron variant (1).
Genome position (GRCh38, 1-based): chr4:17,509,336, T>C on the plus strand (A>G on the coding strand, the complement: QDPR is on the minus strand). VCF-style: chr4-17509336-T-C. GRCh37 (hg19) VCF-style: chr4-17510959-T-C.
Other names: c.105+2614A>G (NM_001306140.2); short protein forms N45D.
Identifiers: ClinVar variation 5002762 (VCV005002762.1).